The following is an entry in ClinVar:

NM_022095.4(ZNF335):c.1624G>A (p.Ala542Thr)

Gene: ZNF335 (zinc finger protein 335; minus strand). Cytogenetic location: 20q13.12.
Variant type: single nucleotide variant.
Coding change: c.1624G>A on transcript NM_022095.4 (MANE Select); coding-DNA position 1624, G replaced by A.
Protein change: p.Ala542Thr; replaces alanine 542 with threonine.
Molecular consequence: missense variant.
Genome position (GRCh38, 1-based): chr20:45,962,092, C>T on the plus strand (G>A on the coding strand, the complement: ZNF335 is on the minus strand). VCF-style: chr20-45962092-C-T. GRCh37 (hg19) VCF-style: chr20-44590731-C-T.
Other names: c.1624G>A (NM_022095.3); short protein forms A542T.
Identifiers: ClinVar variation 2168727 (VCV002168727.5), dbSNP rs140842666, ClinGen allele CA9885677.

ClinVar aggregate classification (germline): Uncertain significance. Review status: criteria provided, single submitter (1 of 4 stars). 2 submissions from 2 submitters: Uncertain significance (1). 1 of the submissions does not count toward it. Last evaluated 2026-01-27.

Conditions:
ZNF335-related disorder. Also called: ZNF335-related condition.

Allele frequency attached by ClinVar (database versions not stated): ExAC 0.00006; ESP Exome Variant Server 0.00015; gnomAD 0.00016; TOPMed 0.00019; 1000 Genomes Project 0.00020; 1000 Genomes Project 30x 0.00031.
gnomAD v4.1: 76 of 1,612,096 alleles (0.0047%); highest among the groups gnomAD compares: African/African-American, 0.055%; no homozygotes.

Submissions (2):

Labcorp Genetics (formerly Invitae), Labcorp
Classification: Uncertain significance. Last evaluated: 2026-01-27. Review status: criteria provided, single submitter. Criteria: Invitae Variant Classification Sherloc (09022015). Collection method: clinical testing. Allele origin: germline.
Comment: This sequence change replaces alanine, which is neutral and non-polar, with threonine, which is neutral and polar, at codon 542 of the ZNF335 protein (p.Ala542Thr). This variant is present in population databases (rs140842666, gnomAD 0.04%). This variant has not been reported in the literature in individuals affected with ZNF335-related conditions. ClinVar contains an entry for this variant (Variation ID: 2168727). Invitae Evidence Modeling of protein sequence and biophysical properties (such as structural, functional, and spatial information, amino acid conservation, physicochemical variation, residue mobility, and thermodynamic stability) indicates that this missense variant is not expected to disrupt ZNF335 protein function with a negative predictive value of 80%. In summary, the available evidence is currently insufficient to determine the role of this variant in disease. Therefore, it has been classified as a Variant of Uncertain Significance.

PreventionGenetics, part of Exact Sciences
Classification: Uncertain significance for ZNF335-related condition. Last evaluated: 2024-04-24. Review status: no assertion criteria provided. Collection method: clinical testing. Allele origin: germline. Not counted in ClinVar's aggregate classification.
Comment: The ZNF335 c.1624G>A variant is predicted to result in the amino acid substitution p.Ala542Thr. To our knowledge, this variant has not been reported in the literature. This variant is reported in 0.036% of alleles in individuals of African descent in gnomAD. At this time, the clinical significance of this variant is uncertain due to the absence of conclusive functional and genetic evidence.